The following is an entry in ClinVar:

NM_001080467.3(MYO5B):c.2004-14T>C

Gene: MYO5B (myosin VB; minus strand). Cytogenetic location: 18q21.1.
Variant type: single nucleotide variant.
Coding change: c.2004-14T>C on transcript NM_001080467.3 (MANE Select); 14 bases into the intron before coding-DNA position 2004, T replaced by C.
Molecular consequence: intron variant.
Genome position (GRCh38, 1-based): chr18:49,929,612, A>G on the plus strand (T>C on the coding strand, the complement: MYO5B is on the minus strand). VCF-style: chr18-49929612-A-G. GRCh37 (hg19) VCF-style: chr18-47455982-A-G.
Identifiers: ClinVar variation 327058 (VCV000327058.13), dbSNP rs200222654, ClinGen allele CA8961269.
Genomic context (GRCh38, chr18:49,929,612, plus strand): 5'-ACACCCCGCAGGCTCTGAGTTGCTGCACTGCTCTCTTTGGGTCAAAGCTGCCAAAGGAGA[A>G]AAAAAAAAAAAAAAGCAAGACAAGAGATGAGTGGCCACATTTGCAAAAAAGAAACAAAAA-3'

ClinVar aggregate classification (germline): Benign/Likely benign. Review status: criteria provided, multiple submitters, no conflicts (2 of 4 stars). 3 submissions from 3 submitters: Benign (1); Likely benign (2). Last evaluated 2026-01-28.

Conditions:
Congenital microvillous atrophy (DIAR2). Also called: DAVIDSON DISEASE; MICROVILLUS ATROPHY, CONGENITAL; Microvillus inclusion disease; Diarrhea 2 with microvillus atrophy, with or without cholestasis; CONGENITAL FAMILIAL PROTRACTED DIARRHEA WITH ENTEROCYTE BRUSH-BORDER ABNORMALITIES. Identifiers: Orphanet 2290, MedGen C0341306, MONDO:0009635, OMIM 251850.

Allele frequency attached by ClinVar (database versions not stated): 1000 Genomes Project 0.00240; ExAC 0.03374; gnomAD 0.06513 and 0.08496.
gnomAD v4.1: 1,887 of 274,616 alleles (0.69%); highest among the groups gnomAD compares: Admixed American, 1.2%; 2 homozygotes.

Submissions (3):

Labcorp Genetics (formerly Invitae), Labcorp
Classification: Likely benign. Last evaluated: 2026-01-28. Review status: criteria provided, single submitter. Criteria: Invitae Variant Classification Sherloc (09022015). Collection method: clinical testing. Allele origin: germline.

Illumina Laboratory Services, Illumina
Classification: Benign for Congenital microvillous atrophy. Last evaluated: 2018-01-12. Review status: criteria provided, single submitter. Criteria: ICSL Variant Classification Criteria 13 December 2019. Collection method: clinical testing. Allele origin: germline.
Comment: This variant was observed in the ICSL laboratory as part of a predisposition screen in an ostensibly healthy population. It had not been previously curated by ICSL or reported in the Human Gene Mutation Database (HGMD: prior to June 1st, 2018), and was therefore a candidate for classification through an automated scoring system. Utilizing variant allele frequency, disease prevalence and penetrance estimates, and inheritance mode, an automated score was calculated to assess if this variant is too frequent to cause the disease. Based on the score and internal cut-off values, a variant classified as benign is not then subjected to further curation. The score for this variant resulted in a classification of benign for this disease.

Breakthrough Genomics
Classification: Likely benign. Review status: criteria provided, single submitter. Criteria: ACMG Guidelines, 2015. Collection method: not provided. Allele origin: germline. Inheritance: Autosomal recessive inheritance. Affected: yes.